The following is an entry in ClinVar:

NM_000214.3(JAG1):c.2258G>T (p.Cys753Phe)

Gene: JAG1 (jagged canonical Notch ligand 1; minus strand). Cytogenetic location: 20p12.2.
Variant type: single nucleotide variant.
Coding change: c.2258G>T on transcript NM_000214.3 (MANE Select); coding-DNA position 2258, G replaced by T.
Protein change: p.Cys753Phe; replaces cysteine 753 with phenylalanine.
Molecular consequence: missense variant.
Genome position (GRCh38, 1-based): chr20:10,644,949, C>A on the plus strand (G>T on the coding strand, the complement: JAG1 is on the minus strand). VCF-style: chr20-10644949-C-A. GRCh37 (hg19) VCF-style: chr20-10625597-C-A.
Other names: short protein forms C753F.
Identifiers: ClinVar variation 1461483 (VCV001461483.6), dbSNP rs2122602473, ClinGen allele CA408235021.

ClinVar aggregate classification (germline): Uncertain significance (1 of 4 stars; one submission).

Conditions:
Alagille syndrome due to a JAG1 point mutation. Also called: HEPATIC DUCTULAR HYPOPLASIA, SYNDROMATIC; JAG1-Related Alagille Syndrome; Alagille Syndrome 1. Identifiers: Orphanet 261619, Orphanet 52, MedGen C1956125, MONDO:0016862, OMIM 118450.

Submission:

Labcorp Genetics (formerly Invitae), Labcorp
Classification: Uncertain significance for Alagille syndrome due to a JAG1 point mutation. Last evaluated: 2021-12-22. Review status: criteria provided, single submitter. Criteria: Invitae Variant Classification Sherloc (09022015). Collection method: clinical testing. Allele origin: germline.
Comment: This sequence change replaces cysteine, which is neutral and slightly polar, with phenylalanine, which is neutral and non-polar, at codon 753 of the JAG1 protein (p.Cys753Phe). This variant is not present in population databases (gnomAD no frequency). This variant has not been reported in the literature in individuals affected with JAG1-related conditions. Advanced modeling of protein sequence and biophysical properties (such as structural, functional, and spatial information, amino acid conservation, physicochemical variation, residue mobility, and thermodynamic stability) performed at Invitae indicates that this missense variant is expected to disrupt JAG1 protein function. In summary, the available evidence is currently insufficient to determine the role of this variant in disease. Therefore, it has been classified as a Variant of Uncertain Significance.